The following is an entry in ClinVar:

ClinVar aggregate classification (germline): Benign/Likely benign. Review status: criteria provided, multiple submitters, no conflicts (2 of 4 stars). 4 submissions from 4 submitters: Benign (1); Likely benign (3). Last evaluated 2025-09-30.

Conditions:
Colorectal cancer, susceptibility to, 12 (CRCS12). Also called: COLORECTAL CANCER, SUSCEPTIBILITY TO, ON CHROMOSOME 12q24. Identifiers: Orphanet 220460, MedGen C3554460, MONDO:0014038, OMIM 615083.
Hereditary cancer-predisposing syndrome. Also called: Hereditary Cancer Syndrome; Hereditary neoplastic syndrome; Neoplastic Syndromes, Hereditary; Tumor predisposition. Identifiers: Orphanet 140162, MedGen C0027672, MeSH D009386, MONDO:0015356.

Allele frequency attached by ClinVar (database versions not stated): TOPMed below 0.00001; gnomAD 0.00001; gnomAD exomes 0.00001.
gnomAD v4.1: 16 of 1,613,696 alleles (0.00099%); highest among the groups gnomAD compares: Non-Finnish European, 0.0013%; no homozygotes.

Submissions (4):

Labcorp Genetics (formerly Invitae), Labcorp
Classification: Likely benign. Last evaluated: 2025-09-30. Review status: criteria provided, single submitter. Criteria: Invitae Variant Classification Sherloc (09022015). Collection method: clinical testing. Allele origin: germline.

Myriad Genetics, Inc.
Classification: Benign for Colorectal cancer, susceptibility to, 12. Last evaluated: 2025-02-07. Review status: criteria provided, single submitter. Criteria: Myriad Autosomal Dominant, Autosomal Recessive and X-Linked Classification Criteria (2023). Collection method: clinical testing. Allele origin: unknown.
Comment: This variant is considered benign. This variant is a silent/synonymous amino acid change and it is not expected to impact splicing.

Ambry Genetics
Classification: Likely benign for Hereditary cancer-predisposing syndrome. Last evaluated: 2019-01-07. Review status: criteria provided, single submitter. Criteria: Ambry Variant Classification Scheme 2023. Collection method: clinical testing. Allele origin: germline.

GeneDx
Classification: Likely benign. Last evaluated: 2018-03-14. Review status: criteria provided, single submitter. Criteria: GeneDx Variant Classification (06012015). Collection method: clinical testing. Allele origin: germline. Affected: yes.
Comment: This variant is considered likely benign or benign based on one or more of the following criteria: it is a conservative change, it occurs at a poorly conserved position in the protein, it is predicted to be benign by multiple in silico algorithms, and/or has population frequency not consistent with disease.

NM_006231.4(POLE):c.837C>G (p.Thr279=)

Gene: POLE (DNA polymerase epsilon, catalytic subunit; minus strand). Cytogenetic location: 12q24.33.
Variant type: single nucleotide variant.
Coding change: c.837C>G on transcript NM_006231.4 (MANE Select); coding-DNA position 837, C replaced by G.
Protein change: p.Thr279=; no amino-acid change (threonine 279 retained).
Molecular consequence: synonymous variant.
Genome position (GRCh38, 1-based): chr12:132,676,618, G>C on the plus strand (C>G on the coding strand, the complement: POLE is on the minus strand). VCF-style: chr12-132676618-G-C. GRCh37 (hg19) VCF-style: chr12-133253204-G-C.
Identifiers: ClinVar variation 386848 (VCV000386848.16), dbSNP rs927395918, ClinGen allele CA16606460.